The following is an entry in ClinVar:

ClinVar aggregate classification (germline): Likely benign. Review status: criteria provided, multiple submitters, no conflicts (2 of 4 stars). 2 submissions from 2 submitters: Likely benign (2). Last evaluated 2024-06-24.

Conditions:
Progressive myoclonic epilepsy. Also called: Familial progressive myoclonic epilepsy; Progressive myoclonus epilepsy; Myoclonic Epilepsies, Progressive; Myoclonus epilepsy. Identifiers: Orphanet 308, Orphanet 98261, MedGen C0751778, MONDO:0020074.

Allele frequency attached by ClinVar (database versions not stated): gnomAD exomes 0.00001 and 0.00002; gnomAD below 0.00001 and 0.00001; ExAC 0.00002.
gnomAD v4.1: 15 of 1,614,044 alleles (0.00093%); highest among the groups gnomAD compares: South Asian, 0.0099%; no homozygotes.

Submissions (2):

Labcorp Genetics (formerly Invitae), Labcorp
Classification: Likely benign for Progressive myoclonic epilepsy. Last evaluated: 2024-06-24. Review status: criteria provided, single submitter. Criteria: Invitae Variant Classification Sherloc (09022015). Collection method: clinical testing. Allele origin: germline.

GeneDx
Classification: Likely benign. Last evaluated: 2017-10-12. Review status: criteria provided, single submitter. Criteria: GeneDx Variant Classification (06012015). Collection method: clinical testing. Allele origin: germline. Affected: yes.
Comment: This variant is considered likely benign or benign based on one or more of the following criteria: it is a conservative change, it occurs at a poorly conserved position in the protein, it is predicted to be benign by multiple in silico algorithms, and/or has population frequency not consistent with disease.

NM_005506.4(SCARB2):c.927C>T (p.Ala309=)

Gene: SCARB2 (scavenger receptor class B member 2; minus strand). Cytogenetic location: 4q21.1.
Variant type: single nucleotide variant.
Coding change: c.927C>T on transcript NM_005506.4 (MANE Select); coding-DNA position 927, C replaced by T.
Protein change: p.Ala309=; no amino-acid change (alanine 309 retained).
Molecular consequence: synonymous variant.
Genome position (GRCh38, 1-based): chr4:76,174,211, G>A on the plus strand (C>T on the coding strand, the complement: SCARB2 is on the minus strand). VCF-style: chr4-76174211-G-A. GRCh37 (hg19) VCF-style: chr4-77095364-G-A.
Other names: c.498C>T, p.Ala166= (NM_001204255.2).
Identifiers: ClinVar variation 507039 (VCV000507039.10), dbSNP rs775395230, ClinGen allele CA2970222.